The following is an entry in ClinVar:

ClinVar aggregate classification (germline): Uncertain significance (1 of 4 stars; one submission).

Conditions:
BIRC6-related disorder. Also called: BIRC6-related condition.

Submission:

PreventionGenetics, part of Exact Sciences
Classification: Uncertain significance for BIRC6-related condition. Last evaluated: 2026-06-03. Review status: criteria provided, single submitter. Criteria: ACMG Guidelines, 2015. Collection method: clinical testing. Allele origin: germline.
Comment: The BIRC6 c.11467A>G variant is predicted to result in the amino acid substitution p.Thr3823Ala. To our knowledge, this variant has not been reported in the literature or in a large population database (gnomAD), indicating this variant is rare. At this time, the clinical significance of this variant is uncertain due to the absence of conclusive functional and genetic evidence.

NM_016252.4(BIRC6):c.11467A>G (p.Thr3823Ala)

Gene: BIRC6 (baculoviral IAP repeat containing 6; plus strand). Cytogenetic location: 2p22.3.
Variant type: single nucleotide variant.
Coding change: c.11467A>G on transcript NM_016252.4 (MANE Select); coding-DNA position 11467, A replaced by G.
Protein change: p.Thr3823Ala; replaces threonine 3823 with alanine.
Molecular consequence: missense variant.
Genome position (GRCh38, 1-based): chr2:32,518,371, A>G. VCF-style: chr2-32518371-A-G. GRCh37 (hg19) VCF-style: chr2-32743438-A-G.
Other names: c.11464A>G, p.Thr3822Ala (NM_001378125.1); short protein forms T3823A, T3822A.
Identifiers: ClinVar variation 4994417 (VCV004994417.1).